The following is an entry in ClinVar:

ClinVar aggregate classification (germline): Benign/Likely benign. Review status: criteria provided, multiple submitters, no conflicts (2 of 4 stars). 7 submissions from 7 submitters: Benign (2); Likely benign (2). 3 of the submissions do not count toward it. Last evaluated 2024-11-21.

Conditions:
SCAPER-related disorder. Also called: SCAPER-related condition.

Allele frequency attached by ClinVar (database versions not stated): ESP Exome Variant Server 0.00017; gnomAD 0.00038 and 0.00039; TOPMed 0.00054; ExAC 0.00079; gnomAD exomes 0.00085.
gnomAD v4.1: 665 of 1,612,380 alleles (0.041%); highest among the groups gnomAD compares: Middle Eastern, 0.26%; 3 homozygotes.

Submissions (7):

Blueprint Genetics
Classification: Likely benign. Last evaluated: 2024-11-21. Review status: criteria provided, single submitter. Criteria: ACMG Guidelines, 2015. Collection method: clinical testing. Allele origin: germline.

CeGaT Center for Human Genetics Tuebingen
Classification: Likely benign. Last evaluated: 2024-10-01. Review status: criteria provided, single submitter. Criteria: CeGaT Center For Human Genetics Tuebingen Variant Classification Criteria Version 2. Collection method: clinical testing. Allele origin: germline. Affected: yes. Observed: 4 variant alleles.
Comment: SCAPER: BP4, BP7

Labcorp Genetics (formerly Invitae), Labcorp
Classification: Benign. Last evaluated: 2019-12-31. Review status: criteria provided, single submitter. Criteria: Invitae Variant Classification Sherloc (09022015). Collection method: clinical testing. Allele origin: germline.

Breakthrough Genomics
Classification: Benign. Review status: criteria provided, single submitter. Criteria: ACMG Guidelines, 2015. Collection method: not provided. Allele origin: germline. Inheritance: Autosomal recessive inheritance. Affected: yes.

PreventionGenetics, part of Exact Sciences
Classification: Likely benign for SCAPER-related condition. Last evaluated: 2024-09-11. Review status: no assertion criteria provided. Collection method: clinical testing. Allele origin: germline. Not counted in ClinVar's aggregate classification.
Comment: This variant is classified as likely benign based on ACMG/AMP sequence variant interpretation guidelines (Richards et al. 2015 PMID: 25741868, with internal and published modifications).

Clinical Genetics DNA and cytogenetics Diagnostics Lab, Erasmus MC, Erasmus Medical Center
Classification: Likely benign. Review status: no assertion criteria provided. Collection method: clinical testing. Allele origin: germline. Affected: yes. Study: VKGL Data-share Consensus. Not counted in ClinVar's aggregate classification.

Clinical Genetics, Academic Medical Center
Classification: Likely benign. Review status: no assertion criteria provided. Collection method: clinical testing. Allele origin: germline. Affected: yes. Study: VKGL Data-share Consensus. Not counted in ClinVar's aggregate classification.

NM_020843.4(SCAPER):c.1728G>A (p.Glu576=)

Gene: SCAPER (S-phase cyclin A associated protein in the ER; minus strand). Cytogenetic location: 15q24.3.
Variant type: single nucleotide variant.
Coding change: c.1728G>A on transcript NM_020843.4 (MANE Select); coding-DNA position 1728, G replaced by A.
Protein change: p.Glu576=; no amino-acid change (glutamic acid 576 retained).
Molecular consequence: synonymous variant. On other transcripts: non-coding transcript variant (1).
Genome position (GRCh38, 1-based): chr15:76,753,946, C>T on the plus strand (G>A on the coding strand, the complement: SCAPER is on the minus strand). VCF-style: chr15-76753946-C-T. GRCh37 (hg19) VCF-style: chr15-77046287-C-T.
Other names: c.990G>A, p.Glu330= (NM_001145923.2); c.1746G>A, p.Glu582= (NM_001353009.2); c.1326G>A, p.Glu442= (NM_001353010.2, NM_001353012.2); c.1344G>A, p.Glu448= (NM_001353011.2); c.1746G>A (NM_001353009.1).
Identifiers: ClinVar variation 736200 (VCV000736200.33), dbSNP rs372365937, ClinGen allele CA7674867.